The following is an entry in ClinVar:

NM_002875.5(RAD51):c.1003G>C (p.Gly335Arg)

Gene: RAD51 (RAD51 recombinase; plus strand). Cytogenetic location: 15q15.1.
Variant type: single nucleotide variant.
Coding change: c.1003G>C on transcript NM_002875.5 (MANE Select); coding-DNA position 1003, G replaced by C.
Protein change: p.Gly335Arg; replaces glycine 335 with arginine.
Molecular consequence: missense variant. On other transcripts: 3 prime UTR variant (1).
Genome position (GRCh38, 1-based): chr15:40,731,161, G>C. VCF-style: chr15-40731161-G-C. GRCh37 (hg19) VCF-style: chr15-41023359-G-C.
Other names: c.1006G>C, p.Gly336Arg (NM_001164269.2, NM_133487.4); c.*38G>C (NM_001164270.2); short protein forms G335R, G336R.
Identifiers: ClinVar variation 1776106 (VCV001776106.2), dbSNP rs2141887210, ClinGen allele CA391761259.
Genomic context (GRCh38, chr15:40,731,161, plus strand): 5'-TACGACTCTCCCTGTCTTCCTGAAGCTGAAGCTATGTTCGCCATTAATGCAGATGGAGTG[G>C]GAGATGCCAAAGACTGAATCATTGGGTTTTTCCTCTGTTAAAAACCTTAAGTGCTGCAGC-3'
Protein context (NP_002866.2, residues 325-339): AMFAINADGV[Gly335Arg]DAKD

ClinVar aggregate classification (germline): Uncertain significance (1 of 4 stars; one submission).

Conditions:
Inborn genetic diseases. Identifiers: MedGen C0950123, MeSH D030342.

Submission:

Ambry Genetics
Classification: Uncertain significance for Inborn genetic diseases. Last evaluated: 2022-09-19. Review status: criteria provided, single submitter. Criteria: Ambry Variant Classification Scheme 2023. Collection method: clinical testing. Allele origin: germline.
Comment: The p.G335R variant (also known as c.1003G>C), located in coding exon 9 of the RAD51 gene, results from a G to C substitution at nucleotide position 1003. The glycine at codon 335 is replaced by arginine, an amino acid with dissimilar properties. This amino acid position is conserved. In addition, this alteration is predicted to be deleterious by in silico analysis. Since supporting evidence is limited at this time, the clinical significance of this alteration remains unclear.